The following is an entry in ClinVar:

ClinVar aggregate classification (germline): Likely benign. Review status: criteria provided, multiple submitters, no conflicts (2 of 4 stars). 3 submissions from 3 submitters: Likely benign (2). 1 of the submissions does not count toward it. Last evaluated 2025-10-16.

Conditions:
EYS-related disorder. Also called: EYS-related condition.
Retinitis pigmentosa (RP). Identifiers: Orphanet 791, MedGen C0035334, MeSH D012174, MONDO:0019200, OMIM 268000. Inheritance: Autosomal dominant, autosomal recessive and X linked inheritance.

Allele frequency attached by ClinVar (database versions not stated): gnomAD exomes 0.00010; ESP Exome Variant Server 0.00031; ExAC 0.00051; gnomAD 0.00052 and 0.00056; TOPMed 0.00053; 1000 Genomes Project 0.00060; 1000 Genomes Project 30x 0.00062.
gnomAD v4.1: 151 of 1,563,182 alleles (0.0097%); highest among the groups gnomAD compares: African/African-American, 0.2%; no homozygotes.

Submissions (3):

Labcorp Genetics (formerly Invitae), Labcorp
Classification: Likely benign. Last evaluated: 2025-10-16. Review status: criteria provided, single submitter. Criteria: Invitae Variant Classification Sherloc (09022015). Collection method: clinical testing. Allele origin: germline.

PreventionGenetics, part of Exact Sciences
Classification: Likely benign for EYS-related condition. Last evaluated: 2025-02-13. Review status: criteria provided, single submitter. Criteria: ACMG Guidelines, 2015. Collection method: clinical testing. Allele origin: germline.
Comment: This variant is classified as likely benign based on ACMG/AMP sequence variant interpretation guidelines (Richards et al. 2015 PMID: 25741868, with internal and published modifications).

Natera, Inc.
Classification: Uncertain significance for Retinitis pigmentosa. Last evaluated: 2020-04-17. Review status: no assertion criteria provided. Collection method: clinical testing. Allele origin: germline. Not counted in ClinVar's aggregate classification.

NM_001142800.2(EYS):c.740C>T (p.Pro247Leu)

Gene: EYS (EGF-like photoreceptor maintenance factor; minus strand). Cytogenetic location: 6q12.
Variant type: single nucleotide variant.
Coding change: c.740C>T on transcript NM_001142800.2 (MANE Select); coding-DNA position 740, C replaced by T.
Protein change: p.Pro247Leu; replaces proline 247 with leucine.
Molecular consequence: missense variant.
Genome position (GRCh38, 1-based): chr6:65,494,671, G>A on the plus strand (C>T on the coding strand, the complement: EYS is on the minus strand). VCF-style: chr6-65494671-G-A. GRCh37 (hg19) VCF-style: chr6-66204564-G-A.
Other names: c.740C>T, p.Pro247Leu (NM_001142801.2, NM_001292009.2, NM_198283.2); short protein forms P247L.
Identifiers: ClinVar variation 735515 (VCV000735515.13), dbSNP rs367977860, ClinGen allele CA3878025.